The following is an entry in ClinVar:

NM_003922.4(HERC1):c.3917G>A (p.Arg1306His)

Gene: HERC1 (HECT and RLD domain containing E3 ubiquitin protein ligase family member 1; minus strand). Cytogenetic location: 15q22.31.
Variant type: single nucleotide variant.
Coding change: c.3917G>A on transcript NM_003922.4 (MANE Select); coding-DNA position 3917, G replaced by A.
Protein change: p.Arg1306His; replaces arginine 1306 with histidine.
Molecular consequence: missense variant.
Genome position (GRCh38, 1-based): chr15:63,718,635, C>T on the plus strand (G>A on the coding strand, the complement: HERC1 is on the minus strand). VCF-style: chr15-63718635-C-T. GRCh37 (hg19) VCF-style: chr15-64010834-C-T.
Other names: short protein forms R1306H.
Identifiers: ClinVar variation 1922702 (VCV001922702.5), dbSNP rs771227855, ClinGen allele CA7605932.

ClinVar aggregate classification (germline): Uncertain significance (1 of 4 stars; one submission).

Allele frequency attached by ClinVar (database versions not stated): gnomAD 0.00001; gnomAD exomes 0.00001; TOPMed 0.00001; ExAC 0.00006.
gnomAD v4.1: 13 of 1,592,816 alleles (0.00082%); highest among the groups gnomAD compares: South Asian, 0.0057%; no homozygotes.

Submission:

Labcorp Genetics (formerly Invitae), Labcorp
Classification: Uncertain significance. Last evaluated: 2022-03-10. Review status: criteria provided, single submitter. Criteria: Invitae Variant Classification Sherloc (09022015). Collection method: clinical testing. Allele origin: germline.
Comment: In summary, the available evidence is currently insufficient to determine the role of this variant in disease. Therefore, it has been classified as a Variant of Uncertain Significance. Algorithms developed to predict the effect of missense changes on protein structure and function (SIFT, PolyPhen-2, Align-GVGD) all suggest that this variant is likely to be disruptive. This variant has not been reported in the literature in individuals affected with HERC1-related conditions. The frequency data for this variant in the population databases is considered unreliable, as metrics indicate poor data quality at this position in the gnomAD database. This sequence change replaces arginine, which is basic and polar, with histidine, which is basic and polar, at codon 1306 of the HERC1 protein (p.Arg1306His).